The following is an entry in ClinVar:

ClinVar aggregate classification (germline): Uncertain significance (1 of 4 stars; one submission).

Submission:

Labcorp Genetics (formerly Invitae), Labcorp
Classification: Uncertain significance. Last evaluated: 2025-07-23. Review status: criteria provided, single submitter. Criteria: Invitae Variant Classification Sherloc (09022015). Collection method: clinical testing. Allele origin: germline.
Comment: This sequence change is expected to alter the c-terminus of the LOR protein (p.Gln216Aspfs*119). While this is not anticipated to result in nonsense mediated decay, it is expected to disrupt the last 97 amino acid(s) of the LOR protein and extend the protein by 21 additional amino acid residues. This variant is not present in population databases (gnomAD no frequency). This variant has not been reported in the literature in individuals affected with LOR-related conditions. Experimental studies and prediction algorithms are not available or were not evaluated, and the functional significance of this variant is currently unknown. This variant results in an extension of the LOR protein. Other variant(s) that result in a similarly extended protein product (p.Ser270Leufs*66) have been determined to be pathogenic (PMID: 25965869). This suggests that these extensions are likely to be disease-causing. In summary, the available evidence is currently insufficient to determine the role of this variant in disease. Therefore, it has been classified as a Variant of Uncertain Significance.

Literature cited by the submitters: PubMed 25965869.

NM_000427.3(LORICRIN):c.645_646del (p.Gln216fs)

Gene: LORICRIN (loricrin cornified envelope precursor protein; plus strand). Cytogenetic location: 1q21.3.
Variant type: Deletion.
Coding change: c.645_646del on transcript NM_000427.3 (MANE Select); coding-DNA positions 645 to 646, 2 bases deleted (TC; older notation c.645_646delTC).
Protein change: p.Gln216fs; shifts the reading frame from glutamine 216.
Molecular consequence: frameshift variant.
Genome position (GRCh38, 1-based): chr1:153,261,594-153,261,595, TC deleted; deleting any 2 consecutive bases within chr1:153,261,593-153,261,595 gives the same sequence; the c. name uses the placement nearest the transcript's 3' end. VCF-style (leftmost placement, unchanged base first): chr1-153261592-ACT-A. GRCh37 (hg19) VCF-style: chr1-153234068-ACT-A.
Other names: short protein forms Q216fs.
Identifiers: ClinVar variation 4723941 (VCV004723941.1).